The following is an entry in ClinVar:

ClinVar aggregate classification (germline): Uncertain significance. Review status: criteria provided, multiple submitters, no conflicts (2 of 4 stars). 6 submissions from 5 submitters: Uncertain significance (6). Last evaluated 2024-07-09.

Conditions:
Spinocerebellar ataxia, autosomal recessive, with axonal neuropathy 2 (SCAN2). Also called: ATAXIA-OCULOMOTOR APRAXIA 2; Ataxia with Oculomotor Apraxia; Ataxia-ocular apraxia-2; Ataxia with Oculomotor Apraxia Type 2. Identifiers: Orphanet 64753, MedGen C1853761, MONDO:0018996, OMIM 606002.
Amyotrophic lateral sclerosis type 4 (ALS4). Also called: AMYOTROPHIC LATERAL SCLEROSIS 4, JUVENILE; NEURONOPATHY, DISTAL HEREDITARY MOTOR, WITH PYRAMIDAL FEATURES. Identifiers: Orphanet 357043, MedGen C1865409, MONDO:0011223, OMIM 602433.
Inborn genetic diseases. Identifiers: MedGen C0950123, MeSH D030342.

Submissions (6):

Blueprint Genetics
Classification: Uncertain significance. Last evaluated: 2024-07-09. Review status: criteria provided, single submitter. Criteria: ACMG Guidelines, 2015. Collection method: clinical testing. Allele origin: germline.

ARUP Laboratories, Molecular Genetics and Genomics, ARUP Laboratories
Classification: Uncertain significance. Last evaluated: 2024-02-15. Review status: criteria provided, single submitter. Criteria: ARUP Molecular Germline Variant Investigation Process 2024. Collection method: clinical testing. Allele origin: germline.
Comment: The SETX c.7948_7961del; p.Thr2650GlufsTer4 variant (rs1214545867), to our knowledge, is not reported in the medical literature but is reported in ClinVar (Variation ID: 1761342). This variant is observed in the general population with an overall allele frequency of 0.001% (3/251452 alleles) in the Genome Aggregation Database (v2.1.1). This variant results in a premature termination codon in the last exon of the SETX gene. While this may not lead to nonsense-mediated decay, it is expected to disrupt the last 28 amino acids of the SETX protein. Due to limited information, the clinical significance of this variant is uncertain at this time.

Genome-Nilou Lab
Classification: Uncertain significance for Spinocerebellar ataxia, autosomal recessive, with axonal neuropathy 2. Last evaluated: 2023-02-08. Review status: criteria provided, single submitter. Criteria: ACMG Guidelines, 2015. Collection method: clinical testing. Allele origin: germline.

Genome-Nilou Lab
Classification: Uncertain significance for Amyotrophic lateral sclerosis type 4. Last evaluated: 2023-02-08. Review status: criteria provided, single submitter. Criteria: ACMG Guidelines, 2015. Collection method: clinical testing. Allele origin: germline.

Labcorp Genetics (formerly Invitae), Labcorp
Classification: Uncertain significance for Amyotrophic lateral sclerosis type 4; Spinocerebellar ataxia, autosomal recessive, with axonal neuropathy 2. Last evaluated: 2022-10-21. Review status: criteria provided, single submitter. Criteria: Invitae Variant Classification Sherloc (09022015). Collection method: clinical testing. Allele origin: germline.
Comment: This sequence change creates a premature translational stop signal (p.Thr2650Glufs*4) in the SETX gene. While this is not anticipated to result in nonsense mediated decay, it is expected to disrupt the last 28 amino acid(s) of the SETX protein. In summary, the available evidence is currently insufficient to determine the role of this variant in disease. Therefore, it has been classified as a Variant of Uncertain Significance. Experimental studies and prediction algorithms are not available or were not evaluated, and the functional significance of this variant is currently unknown. This variant has not been reported in the literature in individuals affected with SETX-related conditions. This variant is present in population databases (no rsID available, gnomAD 0.003%).

Ambry Genetics
Classification: Uncertain significance for Inborn genetic diseases. Last evaluated: 2020-12-20. Review status: criteria provided, single submitter. Criteria: Ambry Variant Classification Scheme 2023. Collection method: clinical testing. Allele origin: germline.
Comment: The c.7948_7961del14 variant, located in coding exon 24 of the SETX gene, results from a deletion of 14 nucleotides at nucleotide positions 7948 to 7961, causing a translational frameshift with a predicted alternate stop codon (p.T2650Efs*4). This alteration occurs at the 3' terminus of theSETX gene, is not expected to trigger nonsense-mediated mRNAdecay, and results in the elongation of the protein by 27 amino acids. This frameshift impacts the last 27 amino acids (1%) of the native protein. The exact functional effect of the altered amino acids is unknown. Based on data from gnomAD, this variant has an overall frequency of 0.001% (3/251452) total alleles studied. The highest observed frequency was 0.003% (3/113736) of total alleles in the European (non-Finnish) subpopulation. Since supporting evidence is limited at this time, the clinical significance of this alteration remains unclear.

NM_015046.7(SETX):c.7948_7961del (p.Thr2650fs)

Gene: SETX (senataxin; minus strand). Cytogenetic location: 9q34.13.
Variant type: Deletion.
Coding change: c.7948_7961del on transcript NM_015046.7 (MANE Select); coding-DNA positions 7948 to 7961, 14 bases deleted (ACCCATCACACCAG).
Protein change: p.Thr2650fs; shifts the reading frame from threonine 2650.
Molecular consequence: frameshift variant.
Genome position (GRCh38, 1-based): chr9:132,264,312-132,264,325, CTGGTGTGATGGGT deleted on the plus strand (ACCCATCACACCAG on the coding strand, the reverse complement: SETX is on the minus strand); deleting any 14 consecutive bases within chr9:132,264,312-132,264,327 gives the same sequence; the c. name uses the placement nearest the transcript's 3' end. VCF-style (leftmost placement, unchanged base first): chr9-132264311-CCTGGTGTGATGGGT-C. GRCh37 (hg19) VCF-style: chr9-135139698-CCTGGTGTGATGGGT-C.
Other names: c.7948_7961del, p.Thr2650fs (NM_001351527.2); c.8035_8048del, p.Thr2679fs (NM_001351528.2); c.7948_7961del14 (NM_015046.5); short protein forms T2679fs, T2650fs.
Identifiers: ClinVar variation 1761342 (VCV001761342.10), dbSNP rs1214545867, ClinGen allele CA590947153.